The following is an entry in ClinVar:

ClinVar aggregate classification (germline): Uncertain significance (1 of 4 stars; one submission).

Conditions:
Cornelia de Lange syndrome 4 (CDLS4). Also called: CORNELIA DE LANGE SYNDROME 4 WITH OR WITHOUT MIDLINE BRAIN DEFECTS; RAD21-Related Cornelia de Lange Syndrome. Identifiers: Orphanet 199, MedGen C3553517, MONDO:0013864, OMIM 614701.

Submission:

Labcorp Genetics (formerly Invitae), Labcorp
Classification: Uncertain significance for Cornelia de Lange syndrome 4. Last evaluated: 2023-09-08. Review status: criteria provided, single submitter. Criteria: Invitae Variant Classification Sherloc (09022015). Collection method: clinical testing. Allele origin: germline.
Comment: In summary, the available evidence is currently insufficient to determine the role of this variant in disease. Therefore, it has been classified as a Variant of Uncertain Significance. Advanced modeling of protein sequence and biophysical properties (such as structural, functional, and spatial information, amino acid conservation, physicochemical variation, residue mobility, and thermodynamic stability) performed at Invitae indicates that this missense variant is not expected to disrupt RAD21 protein function. This variant has not been reported in the literature in individuals affected with RAD21-related conditions. This variant is not present in population databases (gnomAD no frequency). This sequence change replaces leucine, which is neutral and non-polar, with phenylalanine, which is neutral and non-polar, at codon 396 of the RAD21 protein (p.Leu396Phe).

NM_006265.3(RAD21):c.1186C>T (p.Leu396Phe)

Gene: RAD21 (RAD21 cohesin complex component; minus strand). Cytogenetic location: 8q24.11.
Variant type: single nucleotide variant.
Coding change: c.1186C>T on transcript NM_006265.3 (MANE Select); coding-DNA position 1186, C replaced by T.
Protein change: p.Leu396Phe; replaces leucine 396 with phenylalanine.
Molecular consequence: missense variant.
Genome position (GRCh38, 1-based): chr8:116,852,684, G>A on the plus strand (C>T on the coding strand, the complement: RAD21 is on the minus strand). VCF-style: chr8-116852684-G-A. GRCh37 (hg19) VCF-style: chr8-117864923-G-A.
Other names: short protein forms L396F.
Identifiers: ClinVar variation 2750726 (VCV002750726.3), dbSNP rs2537291213, ClinGen allele CA371999289.